The following is an entry in ClinVar:

NM_001164508.2(NEB):c.8733_8734inv (p.Ser2912Pro)

Gene: NEB (nebulin; minus strand). Cytogenetic location: 2q23.3.
Variant type: Inversion.
Coding change: c.8733_8734inv on transcript NM_001164508.2 (MANE Select).
Protein change: p.Ser2912Pro; replaces serine 2912 with proline.
Molecular consequence: missense variant.
Genome position: GRCh38 VCF-style: chr2-151640012-AC-GT. GRCh37 (hg19) VCF-style: chr2-152496526-AC-GT.
Other names: c.8733_8734inv, p.Ser2912Pro (NM_001164507.2, NM_001271208.2, NM_004543.5); short protein forms S2912P.
Identifiers: ClinVar variation 850241 (VCV000850241.7), ClinGen allele CA916080281.

ClinVar aggregate classification (germline): Uncertain significance (1 of 4 stars; one submission).

Conditions:
Nemaline myopathy 2 (NEM2). Also called: Nemaline myopathy 2, autosomal recessive. Identifiers: MedGen C1850569, MONDO:0009725, OMIM 256030.

Submission:

Labcorp Genetics (formerly Invitae), Labcorp
Classification: Uncertain significance for Nemaline myopathy 2. Last evaluated: 2022-08-09. Review status: criteria provided, single submitter. Criteria: Invitae Variant Classification Sherloc (09022015). Collection method: clinical testing. Allele origin: germline.
Comment: This sequence change replaces serine, which is neutral and polar, with proline, which is neutral and non-polar, at codon 2912 of the NEB protein (p.Ser2912Pro). Information on the frequency of this variant in the gnomAD database is not available, as this variant may be reported differently in the database. This variant has not been reported in the literature in individuals affected with NEB-related conditions. ClinVar contains an entry for this variant (Variation ID: 850241). In summary, the available evidence is currently insufficient to determine the role of this variant in disease. Therefore, it has been classified as a Variant of Uncertain Significance.